The following is an entry in ClinVar:

NM_001283009.2(RTEL1):c.2339C>T (p.Pro780Leu)

Genes: RTEL1 (regulator of telomere elongation helicase 1; plus strand), RTEL1-TNFRSF6B (RTEL1-TNFRSF6B readthrough (NMD candidate); plus strand). Cytogenetic location: 20q13.33.
Variant type: single nucleotide variant.
Coding change: c.2339C>T on transcript NM_001283009.2 (MANE Select); coding-DNA position 2339, C replaced by T.
Protein change: p.Pro780Leu; replaces proline 780 with leucine.
Molecular consequence: missense variant. On other transcripts: non-coding transcript variant (1).
Genome position (GRCh38, 1-based): chr20:63,690,367, C>T. VCF-style: chr20-63690367-C-T. GRCh37 (hg19) VCF-style: chr20-62321720-C-T.
Other names: c.1670C>T, p.Pro557Leu (NM_001283010.1); c.2339C>T, p.Pro780Leu (NM_016434.4); c.2411C>T, p.Pro804Leu (NM_032957.5); short protein forms P557L, P780L, P804L.
Identifiers: ClinVar variation 3747942 (VCV003747942.3).

ClinVar aggregate classification (germline): Uncertain significance. Review status: criteria provided, multiple submitters, no conflicts (2 of 4 stars). 2 submissions from 2 submitters: Uncertain significance (2). Last evaluated 2025-07-11.

Conditions:
Pulmonary fibrosis and/or bone marrow failure, Telomere-related, 3. Also called: PULMONARY FIBROSIS AND/OR BONE MARROW FAILURE SYNDROME, TELOMERE-RELATED, 3. Identifiers: Orphanet 2032, MedGen C4225346, MONDO:0014613, OMIM 616373.
Dyskeratosis congenita, autosomal recessive 5 (DKCB5). Identifiers: MedGen C3554656, MONDO:0014076, OMIM 615190.
Inborn genetic diseases. Identifiers: MedGen C0950123, MeSH D030342.

gnomAD v4.1: 2 of 1,611,822 alleles (0.00012%); highest among the groups gnomAD compares: East Asian, 0.0022%; no homozygotes.

Submissions (2):

Ambry Genetics
Classification: Uncertain significance for Inborn genetic diseases. Last evaluated: 2025-07-11. Review status: criteria provided, single submitter. Criteria: Ambry Variant Classification Scheme 2023. Collection method: clinical testing. Allele origin: germline.
Comment: The p.P780L variant (also known as c.2339C>T), located in coding exon 25 of the RTEL1 gene, results from a C to T substitution at nucleotide position 2339. The proline at codon 780 is replaced by leucine, an amino acid with similar properties. This amino acid position is conserved. In addition, this alteration is predicted to be tolerated by in silico analysis. Based on the available evidence, the clinical significance of this variant remains unclear.

Labcorp Genetics (formerly Invitae), Labcorp
Classification: Uncertain significance for Dyskeratosis congenita, autosomal recessive 5; Pulmonary fibrosis and/or bone marrow failure, Telomere-related, 3. Last evaluated: 2024-03-16. Review status: criteria provided, single submitter. Criteria: Invitae Variant Classification Sherloc (09022015). Collection method: clinical testing. Allele origin: germline.
Comment: This sequence change replaces proline, which is neutral and non-polar, with leucine, which is neutral and non-polar, at codon 780 of the RTEL1 protein (p.Pro780Leu). This variant is not present in population databases (gnomAD no frequency). This variant has not been reported in the literature in individuals affected with RTEL1-related conditions. Algorithms developed to predict the effect of missense changes on protein structure and function output the following: SIFT: "Not Available"; PolyPhen-2: "Benign"; Align-GVGD: "Not Available". The leucine amino acid residue is found in multiple mammalian species, which suggests that this missense change does not adversely affect protein function. In summary, the available evidence is currently insufficient to determine the role of this variant in disease. Therefore, it has been classified as a Variant of Uncertain Significance.